The following is an entry in ClinVar:

ClinVar aggregate classification (germline): Uncertain significance (1 of 4 stars; one submission).

Submission:

Labcorp Genetics (formerly Invitae), Labcorp
Classification: Uncertain significance. Last evaluated: 2020-01-27. Review status: criteria provided, single submitter. Criteria: Invitae Variant Classification Sherloc (09022015). Collection method: clinical testing. Allele origin: germline.
Comment: In summary, the available evidence is currently insufficient to determine the role of this variant in disease. Therefore, it has been classified as a Variant of Uncertain Significance. Algorithms developed to predict the effect of missense changes on protein structure and function (SIFT, PolyPhen-2, Align-GVGD) all suggest that this variant is likely to be tolerated, but these predictions have not been confirmed by published functional studies and their clinical significance is uncertain. This variant has not been reported in the literature in individuals with SCN3A-related conditions. This variant is not present in population databases (ExAC no frequency). This sequence change replaces leucine with proline at codon 16 of the SCN3A protein (p.Leu16Pro). The leucine residue is moderately conserved and there is a moderate physicochemical difference between leucine and proline.

NM_006922.4(SCN3A):c.47T>C (p.Leu16Pro)

Gene: SCN3A (sodium voltage-gated channel alpha subunit 3; minus strand). Cytogenetic location: 2q24.3.
Variant type: single nucleotide variant.
Coding change: c.47T>C on transcript NM_006922.4 (MANE Select); coding-DNA position 47, T replaced by C.
Protein change: p.Leu16Pro; replaces leucine 16 with proline.
Molecular consequence: missense variant.
Genome position (GRCh38, 1-based): chr2:165,176,348, A>G on the plus strand (T>C on the coding strand, the complement: SCN3A is on the minus strand). VCF-style: chr2-165176348-A-G. GRCh37 (hg19) VCF-style: chr2-166032858-A-G.
Other names: c.47T>C, p.Leu16Pro (NM_001081676.2, NM_001081677.2); short protein forms L16P.
Identifiers: ClinVar variation 1053234 (VCV001053234.9), dbSNP rs1690460885, ClinGen allele CA349241188.